The following is an entry in ClinVar:

ClinVar aggregate classification (germline): Uncertain significance. Review status: criteria provided, multiple submitters, no conflicts (2 of 4 stars). 3 submissions from 3 submitters: Uncertain significance (3). Last evaluated 2025-06-18.

Conditions:
Hemolytic anemia due to glutathione reductase deficiency (CNSHA10). Also called: ANEMIA, CONGENITAL, NONSPHEROCYTIC HEMOLYTIC, 10. Identifiers: Orphanet 90030, MedGen C5231513, MONDO:0019531, OMIM 618660.

Allele frequency attached by ClinVar (database versions not stated): ExAC 0.00008; ESP Exome Variant Server 0.00008; TOPMed 0.00012; gnomAD 0.00015; gnomAD exomes 0.00019.
gnomAD v4.1: 297 of 1,609,848 alleles (0.018%); highest among the groups gnomAD compares: Non-Finnish European, 0.023%; no homozygotes.

Submissions (3):

Ambry Genetics
Classification: Uncertain significance. Last evaluated: 2025-06-18. Review status: criteria provided, single submitter. Criteria: Ambry Variant Classification Scheme 2023. Collection method: clinical testing. Allele origin: germline.

ARUP Laboratories, Molecular Genetics and Genomics, ARUP Laboratories
Classification: Uncertain significance for Hemolytic anemia due to glutathione reductase deficiency. Last evaluated: 2024-08-16. Review status: criteria provided, single submitter. Criteria: ARUP Molecular Germline Variant Investigation Process 2024. Collection method: clinical testing. Allele origin: germline.
Comment: The GSR c.428T>C; p.Ile143Thr variant (rs138626335), to our knowledge, is not reported in the medical literature but is reported in ClinVar (Variation ID: 2345425). This variant is found in the general population with an overall allele frequency of 0.01% (30/282858 alleles) in the Genome Aggregation Database (v2.1.1). Computational analyses predict that this variant is deleterious (REVEL: 0.748). Due to limited information, the clinical significance of this variant is uncertain at this time.

Revvity Omics, Revvity
Classification: Uncertain significance for Hemolytic anemia due to glutathione reductase deficiency. Last evaluated: 2024-06-17. Review status: criteria provided, single submitter. Criteria: ACMG Guidelines, 2015. Collection method: clinical testing. Allele origin: germline.

NM_000637.5(GSR):c.428T>C (p.Ile143Thr)

Gene: GSR (glutathione-disulfide reductase; minus strand). Cytogenetic location: 8p12.
Variant type: single nucleotide variant.
Coding change: c.428T>C on transcript NM_000637.5 (MANE Select); coding-DNA position 428, T replaced by C.
Protein change: p.Ile143Thr; replaces isoleucine 143 with threonine.
Molecular consequence: missense variant.
Genome position (GRCh38, 1-based): chr8:30,708,136, A>G on the plus strand (T>C on the coding strand, the complement: GSR is on the minus strand). VCF-style: chr8-30708136-A-G. GRCh37 (hg19) VCF-style: chr8-30565653-A-G.
Other names: c.428T>C, p.Ile143Thr (NM_001195102.3, NM_001195103.3, NM_001195104.3); short protein forms I143T.
Identifiers: ClinVar variation 2345425 (VCV002345425.5), dbSNP rs138626335, ClinGen allele CA4701518.